The following is an entry in ClinVar:

NM_016030.6(TRAPPC12):c.227_228del (p.Pro76fs)

Gene: TRAPPC12 (trafficking protein particle complex subunit 12; plus strand). Cytogenetic location: 2p25.3.
Variant type: Deletion.
Coding change: c.227_228del on transcript NM_016030.6 (MANE Select); coding-DNA positions 227 to 228, 2 bases deleted (CC; older notation c.227_228delCC).
Protein change: p.Pro76fs; shifts the reading frame from proline 76.
Molecular consequence: frameshift variant.
Genome position (GRCh38, 1-based): chr2:3,387,850-3,387,851, CC deleted; deleting any 2 consecutive bases within chr2:3,387,847-3,387,851 gives the same sequence; the c. name uses the placement nearest the transcript's 3' end. VCF-style (leftmost placement, unchanged base first): chr2-3387846-TCC-T. GRCh37 (hg19) VCF-style: chr2-3391617-TCC-T.
Other names: c.227_228del, p.Pro76fs (NM_001321102.2); short protein forms P76fs.
Identifiers: ClinVar variation 3361852 (VCV003361852.1).

ClinVar aggregate classification (germline): Uncertain significance (1 of 4 stars; one submission).

Submission:

GeneDx
Classification: Uncertain significance. Last evaluated: 2023-08-08. Review status: criteria provided, single submitter. Criteria: GeneDx Variant Classification Process June 2021. Collection method: clinical testing. Allele origin: germline. Affected: yes.
Comment: Not observed at significant frequency in large population cohorts (gnomAD); Frameshift variant predicted to result in protein truncation or nonsense mediated decay in a gene or region of a gene for which loss of function is not a well-established mechanism of disease; Has not been previously published as pathogenic or benign to our knowledge